The following is an entry in ClinVar:

NM_001267727.2(ARSG):c.415C>A (p.His139Asn)

Gene: ARSG (arylsulfatase G; plus strand). Cytogenetic location: 17q24.2.
Variant type: single nucleotide variant.
Coding change: c.415C>A on transcript NM_001267727.2 (MANE Select); coding-DNA position 415, C replaced by A.
Protein change: p.His139Asn; replaces histidine 139 with asparagine.
Molecular consequence: missense variant. On other transcripts: intron variant (1).
Genome position (GRCh38, 1-based): chr17:68,347,133, C>A. VCF-style: chr17-68347133-C-A. GRCh37 (hg19) VCF-style: chr17-66343274-C-A.
Other names: c.415C>A, p.His139Asn (NM_001352899.2, NM_001352900.2, NM_001352901.2 and 8 more transcripts); c.406+3342C>A (NM_001352909.2); short protein forms H139N.
Identifiers: ClinVar variation 2102373 (VCV002102373.4), dbSNP rs2510614799, ClinGen allele CA400739663.

ClinVar aggregate classification (germline): Uncertain significance (1 of 4 stars; one submission).

Allele frequency attached by ClinVar (database versions not stated): gnomAD exomes below 0.00001.
gnomAD v4.1: 1 of 1,614,048 alleles (0.000062%); highest among the groups gnomAD compares: South Asian, 0.0011%; no homozygotes.

Submission:

Labcorp Genetics (formerly Invitae), Labcorp
Classification: Uncertain significance. Last evaluated: 2022-02-23. Review status: criteria provided, single submitter. Criteria: Invitae Variant Classification Sherloc (09022015). Collection method: clinical testing. Allele origin: germline.
Comment: This sequence change replaces histidine, which is basic and polar, with asparagine, which is neutral and polar, at codon 139 of the ARSG protein (p.His139Asn). This variant is not present in population databases (gnomAD no frequency). This variant has not been reported in the literature in individuals affected with ARSG-related conditions. Algorithms developed to predict the effect of missense changes on protein structure and function are either unavailable or do not agree on the potential impact of this missense change (SIFT: "Deleterious"; PolyPhen-2: "Probably Damaging"; Align-GVGD: "Class C0"). In summary, the available evidence is currently insufficient to determine the role of this variant in disease. Therefore, it has been classified as a Variant of Uncertain Significance.